The following is an entry in ClinVar:

ClinVar aggregate classification (germline): Pathogenic (1 of 4 stars; one submission).

Submission:

GeneDx
Classification: Pathogenic. Last evaluated: 2022-02-02. Review status: criteria provided, single submitter. Criteria: GeneDx Variant Classification Process June 2021. Collection method: clinical testing. Allele origin: germline. Affected: yes.
Comment: In silico analysis supports that this missense variant has a deleterious effect on protein structure/function; Not observed in large population cohorts (gnomAD); Has not been previously published as pathogenic or benign to our knowledge; This variant is associated with the following publications: (PMID: 27311832)

NM_004380.3(CREBBP):c.5600G>T (p.Arg1867Leu)

Gene: CREBBP (CREB binding protein; minus strand). Cytogenetic location: 16p13.3.
Variant type: single nucleotide variant.
Coding change: c.5600G>T on transcript NM_004380.3 (MANE Select); coding-DNA position 5600, G replaced by T.
Protein change: p.Arg1867Leu; replaces arginine 1867 with leucine.
Molecular consequence: missense variant.
Genome position (GRCh38, 1-based): chr16:3,729,447, C>A on the plus strand (G>T on the coding strand, the complement: CREBBP is on the minus strand). VCF-style: chr16-3729447-C-A. GRCh37 (hg19) VCF-style: chr16-3779448-C-A.
Other names: c.5486G>T, p.Arg1829Leu (NM_001079846.1); short protein forms R1829L, R1867L.
Identifiers: ClinVar variation 1339605 (VCV001339605.2), dbSNP rs1131691326, ClinGen allele CA394555927.
Genomic context (GRCh38, chr16:3,729,447, plus strand): 5'-GAGGTAGGAGAAGGCAGACTCTGCTGAGGCACGTTGCGGGTGTTCATGGTGGCCATCCGC[C>A]GGCGCATGAGCTGGGCCTGCTGCAGGCGGTGCTGGATCTGCTGCTGGCGGAGCTTGTGTT-3'
Protein context (NP_004371.2, residues 1857-1877): HRLQQAQLMR[Arg1867Leu]RMATMNTRNV